The following is an entry in ClinVar:

NM_016616.5(NME8):c.1530G>A (p.Leu510=)

Gene: NME8 (NME/NM23 family member 8; plus strand). Cytogenetic location: 7p14.1.
Variant type: single nucleotide variant.
Coding change: c.1530G>A on transcript NM_016616.5 (MANE Select); coding-DNA position 1530, G replaced by A.
Protein change: p.Leu510=; no amino-acid change (leucine 510 retained).
Molecular consequence: synonymous variant.
Genome position (GRCh38, 1-based): chr7:37,894,596, G>A. VCF-style: chr7-37894596-G-A. GRCh37 (hg19) VCF-style: chr7-37934198-G-A.
Identifiers: ClinVar variation 3651978 (VCV003651978.2).

ClinVar aggregate classification (germline): Uncertain significance (1 of 4 stars; one submission).

Conditions:
Primary ciliary dyskinesia 6. Also called: Primary Ciliary Dyskinesia 6: TXNDC3-Related Primary Ciliary Dyskinesia. Identifiers: Orphanet 244, MedGen C1970506, MONDO:0012571, OMIM 610852.

Submission:

Labcorp Genetics (formerly Invitae), Labcorp
Classification: Uncertain significance for Primary ciliary dyskinesia 6. Last evaluated: 2024-05-02. Review status: criteria provided, single submitter. Criteria: Invitae Variant Classification Sherloc (09022015). Collection method: clinical testing. Allele origin: germline.
Comment: This sequence change affects codon 510 of the NME8 mRNA. It is a 'silent' change, meaning that it does not change the encoded amino acid sequence of the NME8 protein. This variant is not present in population databases (gnomAD no frequency). This variant has not been reported in the literature in individuals affected with NME8-related conditions. Algorithms developed to predict the effect of sequence changes on RNA splicing suggest that this variant may disrupt the consensus splice site. In summary, the available evidence is currently insufficient to determine the role of this variant in disease. Therefore, it has been classified as a Variant of Uncertain Significance.